The following is an entry in ClinVar:

NM_001145358.2(SIN3A):c.1903_1908del (p.Ala635_Ile636del)

Gene: SIN3A (SIN3 transcription regulator family member A; minus strand). Cytogenetic location: 15q24.2.
Variant type: Deletion.
Coding change: c.1903_1908del on transcript NM_001145358.2 (MANE Select); coding-DNA positions 1903 to 1908, 6 bases deleted (GCAATA; older notation c.1903_1908delGCAATA).
Protein change: p.Ala635_Ile636del.
Molecular consequence: inframe deletion.
Genome position (GRCh38, 1-based): chr15:75,396,443-75,396,448, TATTGC deleted on the plus strand (GCAATA on the coding strand, the reverse complement: SIN3A is on the minus strand); deleting any 6 consecutive bases within chr15:75,396,443-75,396,449 gives the same sequence; the c. name uses the placement nearest the transcript's 3' end. VCF-style (leftmost placement, unchanged base first): chr15-75396442-GTATTGC-G. GRCh37 (hg19) VCF-style: chr15-75688783-GTATTGC-G.
Other names: c.1903_1908del, p.Ala635_Ile636del (NM_001145357.2, NM_015477.3).
Identifiers: ClinVar variation 452550 (VCV000452550.2), dbSNP rs1555444323, ClinGen allele CA658658303.

ClinVar aggregate classification (germline): Uncertain significance (1 of 4 stars; one submission).

Submission:

GeneDx
Classification: Uncertain significance. Last evaluated: 2017-10-02. Review status: criteria provided, single submitter. Criteria: GeneDx Variant Classification (06012015). Collection method: clinical testing. Allele origin: germline. Affected: yes.
Comment: The c.1903_1908delGCAATA variant has not been published as a pathogenic variant, nor has it been reported as a benign variant to our knowledge. This variant is not observed in large population cohorts (Lek et al., 2016). The c.1903_1908delGCAATA variant results in an in-frame deletion of two amino acid residues, denoted p.Ala635_Ile636del. However, other in-frame deletions or missense variants have not been reported at nearby residues in the Human Gene Mutation Database (Stenson et al., 2014).